The following is an entry in ClinVar:

ClinVar aggregate classification (germline): Uncertain significance (1 of 4 stars; one submission).

Conditions:
Hypertrophic cardiomyopathy. Also called: HYPERTROPHIC MYOCARDIOPATHY. Identifiers: Orphanet 217569, MedGen C0007194, MeSH D002312, MONDO:0005045, HP:0001639.

gnomAD v4.1: 12 of 1,613,962 alleles (0.00074%); highest among the groups gnomAD compares: Non-Finnish European, 0.001%; no homozygotes.

Submission:

Labcorp Genetics (formerly Invitae), Labcorp
Classification: Uncertain significance for Hypertrophic cardiomyopathy. Last evaluated: 2024-05-04. Review status: criteria provided, single submitter. Criteria: Invitae Variant Classification Sherloc (09022015). Collection method: clinical testing. Allele origin: germline.
Comment: This sequence change replaces threonine, which is neutral and polar, with alanine, which is neutral and non-polar, at codon 737 of the MYBPC3 protein (p.Thr737Ala). This variant is not present in population databases (gnomAD no frequency). This variant has not been reported in the literature in individuals affected with MYBPC3-related conditions. An algorithm developed to predict the effect of missense changes on protein structure and function (PolyPhen-2) suggests that this variant is likely to be tolerated. In summary, the available evidence is currently insufficient to determine the role of this variant in disease. Therefore, it has been classified as a Variant of Uncertain Significance.

NM_000256.3(MYBPC3):c.2209A>G (p.Thr737Ala)

Gene: MYBPC3 (myosin binding protein C3; minus strand). Cytogenetic location: 11p11.2.
Variant type: single nucleotide variant.
Coding change: c.2209A>G on transcript NM_000256.3 (MANE Select); coding-DNA position 2209, A replaced by G.
Protein change: p.Thr737Ala; replaces threonine 737 with alanine.
Molecular consequence: missense variant.
Genome position (GRCh38, 1-based): chr11:47,338,619, T>C on the plus strand (A>G on the coding strand, the complement: MYBPC3 is on the minus strand). VCF-style: chr11-47338619-T-C. GRCh37 (hg19) VCF-style: chr11-47360170-T-C.
Other names: short protein forms T737A.
Identifiers: ClinVar variation 3702267 (VCV003702267.2).